The following is an entry in ClinVar:

NM_016222.4(DDX41):c.798+5G>A

Gene: DDX41 (DEAD-box helicase 41; minus strand). Cytogenetic location: 5q35.3.
Variant type: single nucleotide variant.
Coding change: c.798+5G>A on transcript NM_016222.4 (MANE Select); 5 bases into the intron after coding-DNA position 798, G replaced by A.
Molecular consequence: intron variant.
Genome position (GRCh38, 1-based): chr5:177,514,911, C>T on the plus strand (G>A on the coding strand, the complement: DDX41 is on the minus strand). VCF-style: chr5-177514911-C-T. GRCh37 (hg19) VCF-style: chr5-176941912-C-T.
Other names: c.420+5G>A (NM_001321830.2, NM_001321732.2).
Identifiers: ClinVar variation 3839017 (VCV003839017.1).
Genomic context (GRCh38, chr5:177,514,911, plus strand): 5'-GACAAAGGCTGGCACCAGATGGCAGCCCCAATCTCTGGCCTGCCCTCCAGGCCAGCCTAT[C>T]TTACCGAGGGGCAGATGATGAGTCCATAGGGCCCCTCGCGCTTTGAGAAGGGTAACCTCT-3'

ClinVar aggregate classification (germline): Uncertain significance (1 of 4 stars; one submission).

Conditions:
Inborn genetic diseases. Identifiers: MedGen C0950123, MeSH D030342.

gnomAD v4.1: 3 of 1,603,360 alleles (0.00019%); highest among the groups gnomAD compares: Non-Finnish European, 0.00026%; no homozygotes.

Submission:

Ambry Genetics
Classification: Uncertain significance for Inborn genetic diseases. Last evaluated: 2025-02-19. Review status: criteria provided, single submitter. Criteria: Ambry Variant Classification Scheme 2023. Collection method: clinical testing. Allele origin: germline.
Comment: The c.798+5G>A intronic variant results from a G to A substitution 5 nucleotides after coding exon 8 in the DDX41 gene. This nucleotide position is highly conserved in available vertebrate species. In silico splice site analysis predicts that this alteration may weaken the native splice donor site. Based on the available evidence, the clinical significance of this variant remains unclear.